The following is an entry in ClinVar:

ClinVar aggregate classification (germline): Likely benign (1 of 4 stars; one submission).

Allele frequency attached by ClinVar (database versions not stated): 1000 Genomes Project 0.00319; 1000 Genomes Project 30x 0.00328; gnomAD 0.00335; TOPMed 0.00351.
gnomAD v4.1: 502 of 151,982 alleles (0.33%); highest among the groups gnomAD compares: African/African-American, 1.1%; 4 homozygotes.

Submission:

GeneDx
Classification: Likely benign. Last evaluated: 2021-11-15. Review status: criteria provided, single submitter. Criteria: GeneDx Variant Classification Process June 2021. Collection method: clinical testing. Allele origin: germline. Affected: yes.
Comment: See Variant Classification Assertion Criteria.

NM_000430.4(PAFAH1B1):c.-191+4048A>G

Gene: PAFAH1B1 (platelet activating factor acetylhydrolase 1b regulatory subunit 1; plus strand). Cytogenetic location: 17p13.3.
Variant type: single nucleotide variant.
Coding change: c.-191+4048A>G on transcript NM_000430.4 (MANE Select); 4048 bases into the intron after 191 bases upstream of the start codon, A replaced by G.
Molecular consequence: intron variant.
Genome position (GRCh38, 1-based): chr17:2,598,054, A>G. VCF-style: chr17-2598054-A-G. GRCh37 (hg19) VCF-style: chr17-2501348-A-G.
Identifiers: ClinVar variation 1684127 (VCV001684127.2), dbSNP rs144414689, ClinGen allele CA286556812.